The following is an entry in ClinVar:

NM_001162383.2(ARHGEF2):c.1565C>T (p.Ser522Leu)

Gene: ARHGEF2 (Rho/Rac guanine nucleotide exchange factor 2; minus strand). Cytogenetic location: 1q22.
Variant type: single nucleotide variant.
Coding change: c.1565C>T on transcript NM_001162383.2 (MANE Select); coding-DNA position 1565, C replaced by T.
Protein change: p.Ser522Leu; replaces serine 522 with leucine.
Molecular consequence: missense variant.
Genome position (GRCh38, 1-based): chr1:155,957,863, G>A on the plus strand (C>T on the coding strand, the complement: ARHGEF2 is on the minus strand). VCF-style: chr1-155957863-G-A. GRCh37 (hg19) VCF-style: chr1-155927654-G-A.
Other names: c.1562C>T, p.Ser521Leu (NM_001162384.2); c.1484C>T, p.Ser495Leu (NM_001350110.2, NM_001350111.2); c.1511C>T, p.Ser504Leu (NM_001350112.2); c.1481C>T, p.Ser494Leu (NM_004723.4); short protein forms S504L, S521L, S495L, S494L, S522L.
Identifiers: ClinVar variation 4982429 (VCV004982429.1).

ClinVar aggregate classification (germline): Uncertain significance (1 of 4 stars; one submission).

Conditions:
ARHGEF2-related disorder. Also called: ARHGEF2-related condition.

gnomAD v4.1: 8 of 1,613,914 alleles (0.0005%); highest among the groups gnomAD compares: East Asian, 0.0022%; no homozygotes.

Submission:

PreventionGenetics, part of Exact Sciences
Classification: Uncertain significance for ARHGEF2-related condition. Last evaluated: 2025-11-06. Review status: criteria provided, single submitter. Criteria: ACMG Guidelines, 2015. Collection method: clinical testing. Allele origin: germline.
Comment: The ARHGEF2 c.1481C>T variant is predicted to result in the amino acid substitution p.Ser494Leu. This variant has been reported in at least one individual with autism spectrum disorder (reported as 1:155927654:G:A; Table S20, Fu et al. 2022. PubMed ID: 35982160; Supplementary Data 1, Zhou et al. 2022. PubMed ID: 35982159). This variant is reported in 0.0054% of alleles in individuals of East Asian descent in gnomAD. At this time, the clinical significance of this variant is uncertain due to the absence of conclusive functional and genetic evidence.